The following is an entry in ClinVar:

ClinVar aggregate classification (germline): Uncertain significance. Review status: criteria provided, multiple submitters, no conflicts (2 of 4 stars). 2 submissions from 2 submitters: Uncertain significance (2). Last evaluated 2025-11-09.

Allele frequency attached by ClinVar (database versions not stated): TOPMed 0.00001; gnomAD 0.00002; gnomAD exomes 0.00002.
gnomAD v4.1: 31 of 1,605,174 alleles (0.0019%); highest among the groups gnomAD compares: Admixed American, 0.01%; no homozygotes.

Submissions (2):

Labcorp Genetics (formerly Invitae), Labcorp
Classification: Uncertain significance. Last evaluated: 2025-11-09. Review status: criteria provided, single submitter. Criteria: Invitae Variant Classification Sherloc (09022015). Collection method: clinical testing. Allele origin: germline.
Comment: This sequence change replaces aspartic acid, which is acidic and polar, with glycine, which is neutral and non-polar, at codon 937 of the BUB1 protein (p.Asp937Gly). This variant is present in population databases (no rsID available, gnomAD 0.006%). This variant has not been reported in the literature in individuals affected with BUB1-related conditions. ClinVar contains an entry for this variant (Variation ID: 1796325). Experimental studies and prediction algorithms are not available or were not evaluated, and the functional significance of this variant is currently unknown. In summary, the available evidence is currently insufficient to determine the role of this variant in disease. Therefore, it has been classified as a Variant of Uncertain Significance.

Ambry Genetics
Classification: Uncertain significance. Last evaluated: 2025-07-14. Review status: criteria provided, single submitter. Criteria: Ambry Variant Classification Scheme 2023. Collection method: clinical testing. Allele origin: germline.

NM_004336.5(BUB1):c.2810A>G (p.Asp937Gly)

Gene: BUB1 (BUB1 mitotic checkpoint serine/threonine kinase; minus strand). Cytogenetic location: 2q13.
Variant type: single nucleotide variant.
Coding change: c.2810A>G on transcript NM_004336.5 (MANE Select); coding-DNA position 2810, A replaced by G.
Protein change: p.Asp937Gly; replaces aspartic acid 937 with glycine.
Molecular consequence: missense variant.
Genome position (GRCh38, 1-based): chr2:110,641,179, T>C on the plus strand (A>G on the coding strand, the complement: BUB1 is on the minus strand). VCF-style: chr2-110641179-T-C. GRCh37 (hg19) VCF-style: chr2-111398756-T-C.
Other names: c.2750A>G, p.Asp917Gly (NM_001278616.2); c.2639A>G, p.Asp880Gly (NM_001278617.2); short protein forms D937G, D880G, D917G.
Identifiers: ClinVar variation 1796325 (VCV001796325.5), dbSNP rs1467124826, ClinGen allele CA348089245.